The following is an entry in ClinVar:

NM_032178.3(SLC7A6OS):c.380A>G (p.Asn127Ser)

Gene: SLC7A6OS (solute carrier family 7 member 6 opposite strand; minus strand). Cytogenetic location: 16q22.1.
Variant type: single nucleotide variant.
Coding change: c.380A>G on transcript NM_032178.3 (MANE Select); coding-DNA position 380, A replaced by G.
Protein change: p.Asn127Ser; replaces asparagine 127 with serine.
Molecular consequence: missense variant.
Genome position (GRCh38, 1-based): chr16:68,310,426, T>C on the plus strand (A>G on the coding strand, the complement: SLC7A6OS is on the minus strand). VCF-style: chr16-68310426-T-C. GRCh37 (hg19) VCF-style: chr16-68344329-T-C.
Other names: short protein forms N127S.
Identifiers: ClinVar variation 2646652 (VCV002646652.24), dbSNP rs142496712, ClinGen allele CA8126747.

ClinVar aggregate classification (germline): Likely benign (1 of 4 stars; one submission).

Allele frequency attached by ClinVar (database versions not stated): ESP Exome Variant Server 0.00054; gnomAD exomes 0.00093; gnomAD 0.00107; TOPMed 0.00117; ExAC 0.00168.
gnomAD v4.1: 1,637 of 1,608,806 alleles (0.1%); highest among the groups gnomAD compares: Non-Finnish European, 0.02%; 12 homozygotes.

Submission:

CeGaT Center for Human Genetics Tuebingen
Classification: Likely benign. Last evaluated: 2023-05-01. Review status: criteria provided, single submitter. Criteria: CeGaT Center For Human Genetics Tuebingen Variant Classification Criteria Version 2. Collection method: clinical testing. Allele origin: germline. Affected: yes. Observed: 1 variant allele.
Comment: SLC7A6OS: BP4, BS1